The following is an entry in ClinVar:

ClinVar aggregate classification (germline): Pathogenic (1 of 4 stars; one submission).

Conditions:
Hereditary breast ovarian cancer syndrome. Also called: Breast and ovarian cancer; BRCA1- and BRCA2-Associated Hereditary Breast and Ovarian Cancer; Hereditary breast and ovarian cancer syndrome; Hereditary breast and ovarian cancer; Hereditary breast and ovarian cancer syndrome (HBOC); Hereditary breast and/or ovarian cancer syndrome. Identifiers: Orphanet 145, MedGen C0677776, MeSH D061325, MONDO:0003582. Disease mechanism: loss of function.

Submission:

Labcorp Genetics (formerly Invitae), Labcorp
Classification: Pathogenic for Hereditary breast ovarian cancer syndrome. Last evaluated: 2022-11-01. Review status: criteria provided, single submitter. Criteria: Invitae Variant Classification Sherloc (09022015). Collection method: clinical testing. Allele origin: germline.
Comment: For these reasons, this variant has been classified as Pathogenic. This variant has not been reported in the literature in individuals affected with BRCA1-related conditions. This variant is not present in population databases (gnomAD no frequency). This sequence change creates a premature translational stop signal (p.Ala622Glyfs*4) in the BRCA1 gene. It is expected to result in an absent or disrupted protein product. Loss-of-function variants in BRCA1 are known to be pathogenic (PMID: 20104584).

Literature cited by the submitters: PubMed 20104584.

NM_007294.4(BRCA1):c.1865del (p.Ala622fs)

Gene: BRCA1 (BRCA1 DNA repair associated; minus strand). Cytogenetic location: 17q21.31.
Variant type: Deletion.
Coding change: c.1865del on transcript NM_007294.4 (MANE Select); coding-DNA position 1865, one base deleted (C; older notation c.1865delC).
Protein change: p.Ala622fs; shifts the reading frame from alanine 622.
Molecular consequence: frameshift variant. On other transcripts: intron variant (137).
Genome position (GRCh38, 1-based): chr17:43,093,666, G deleted on the plus strand (C on the coding strand, the reverse complement: BRCA1 is on the minus strand). VCF-style (leftmost placement, unchanged base first): chr17-43093665-CG-C. GRCh37 (hg19) VCF-style: chr17-41245682-CG-C.
Other names: c.1739del, p.Ala580fs (NM_001407672.1, NM_001407673.1, NM_001407685.1 and 11 more transcripts); c.1742del, p.Ala581fs (NM_001407674.1, NM_001407675.1, NM_001407676.1 and 19 more transcripts); c.1865del, p.Ala622fs (NM_001407684.1, NM_001407854.1, NM_001407858.1 and 30 more transcripts); c.1724del, p.Ala575fs (NM_001407692.1, NM_001407694.1, NM_001407695.1 and 29 more transcripts); c.1721del, p.Ala574fs (NM_001407740.1, NM_001407741.1, NM_001407742.1 and 20 more transcripts); c.1652del, p.Ala551fs (NM_001407853.1, NM_001407894.1, NM_001407895.1 and 9 more transcripts); c.1862del, p.Ala621fs (NM_001407860.1, NM_001407861.1, NM_001407587.1 and 22 more transcripts); c.1664del, p.Ala555fs (NM_001407862.1); and 40 more; short protein forms A622fs, A575fs, A326fs, A533fs, A534fs, A580fs, A581fs, A596fs.
Identifiers: ClinVar variation 2056143 (VCV002056143.4), dbSNP rs2552197578, ClinGen allele CA2580094111.